The following is an entry in ClinVar:

NM_001374736.1(DST):c.14725G>A (p.Glu4909Lys)

Gene: DST (dystonin; minus strand). Cytogenetic location: 6p12.1.
Variant type: single nucleotide variant.
Coding change: c.14725G>A on transcript NM_001374736.1 (MANE Select); coding-DNA position 14725, G replaced by A.
Protein change: p.Glu4909Lys; replaces glutamic acid 4909 with lysine.
Molecular consequence: missense variant.
Genome position (GRCh38, 1-based): chr6:56,555,756, C>T on the plus strand (G>A on the coding strand, the complement: DST is on the minus strand). VCF-style: chr6-56555756-C-T. GRCh37 (hg19) VCF-style: chr6-56420554-C-T.
Other names: c.8368G>A, p.Glu2790Lys (NM_001144769.5); c.7954G>A, p.Glu2652Lys (NM_001144770.2); c.14725G>A, p.Glu4909Lys (NM_001374722.1); c.14092G>A, p.Glu4698Lys (NM_001374729.1); c.7834G>A, p.Glu2612Lys (NM_001374730.1, NM_001386100.1, NM_183380.4); c.14752G>A, p.Glu4918Lys (NM_001374734.1); c.6856G>A, p.Glu2286Lys (NM_015548.5); short protein forms E2286K, E2790K, E2652K, E4698K, E4918K, E2612K, E4909K.
Identifiers: ClinVar variation 1440311 (VCV001440311.6), dbSNP rs774537946, ClinGen allele CA3867938.

ClinVar aggregate classification (germline): Uncertain significance (1 of 4 stars; one submission).

Conditions:
Epidermolysis bullosa simplex 3, localized or generalized intermediate, with BP230 deficiency (EBS3). Also called: Epidermolysis bullosa simplex due to BP230 deficiency; Epidermolysis bullosa simplex, autosomal recessive 2. Identifiers: Orphanet 412181, MedGen C3809470, MONDO:0014180, OMIM 615425.
Hereditary sensory and autonomic neuropathy type 6. Also called: HSAN VI; Neuropathy, hereditary sensory and autonomic, type VI. Identifiers: Orphanet 314381, MedGen C3539003, MONDO:0013839, OMIM 614653.

Allele frequency attached by ClinVar (database versions not stated): ExAC 0.00001; gnomAD exomes 0.00001.
gnomAD v4.1: 3 of 1,598,738 alleles (0.00019%); highest among the groups gnomAD compares: Admixed American, 0.0034%; no homozygotes.

Submission:

Labcorp Genetics (formerly Invitae), Labcorp
Classification: Uncertain significance for Epidermolysis bullosa simplex 3, localized or generalized intermediate, with BP230 deficiency; Hereditary sensory and autonomic neuropathy type 6. Last evaluated: 2021-07-09. Review status: criteria provided, single submitter. Criteria: Invitae Variant Classification Sherloc (09022015). Collection method: clinical testing. Allele origin: germline.
Comment: This sequence change replaces glutamic acid with lysine at codon 2286 of the DST protein (p.Glu2286Lys). The DST gene has multiple clinically relevant transcripts. This variant occurs in alternate transcript NM_015548.4, and corresponds to NM_001723.5:c.*59761G>A in the primary transcript. The frequency data for this variant in the population databases is considered unreliable, as metrics indicate poor data quality at this position in the ExAC database. In summary, the available evidence is currently insufficient to determine the role of this variant in disease. Therefore, it has been classified as a Variant of Uncertain Significance. Experimental studies and prediction algorithms are not available or were not evaluated, and the functional significance of this variant is currently unknown. This variant has not been reported in the literature in individuals affected with DST-related conditions.